The following is an entry in ClinVar:

ClinVar aggregate classification (germline): Pathogenic (1 of 4 stars; one submission).

Conditions:
Bifunctional peroxisomal enzyme deficiency (DBIF). Also called: DBP DEFICIENCY; PBFE DEFICIENCY; D-bifunctional protein deficiency. Identifiers: Orphanet 300, MedGen C0342870, MONDO:0009855, OMIM 261515. Disease mechanism: loss of function.
Perrault syndrome. Also called: Gonadal dysgenesis with auditory dysfunction, autosomal recessive inheritance. Identifiers: Orphanet 2855, MedGen C0685838, MONDO:0017312.

Submission:

Labcorp Genetics (formerly Invitae), Labcorp
Classification: Pathogenic for Perrault syndrome; Bifunctional peroxisomal enzyme deficiency. Last evaluated: 2022-05-14. Review status: criteria provided, single submitter. Criteria: Invitae Variant Classification Sherloc (09022015). Collection method: clinical testing. Allele origin: germline.
Comment: This sequence change creates a premature translational stop signal (p.Lys663Serfs*6) in the HSD17B4 gene. It is expected to result in an absent or disrupted protein product. Loss-of-function variants in HSD17B4 are known to be pathogenic (PMID: 11810648, 16385454). This variant is not present in population databases (gnomAD no frequency). This variant has not been reported in the literature in individuals affected with HSD17B4-related conditions. For these reasons, this variant has been classified as Pathogenic.

Literature cited by the submitters: PubMed 11810648; PubMed 16385454.

NM_000414.4(HSD17B4):c.1986del (p.Lys663fs)

Gene: HSD17B4 (hydroxysteroid 17-beta dehydrogenase 4; plus strand). Cytogenetic location: 5q23.1.
Variant type: Deletion.
Coding change: c.1986del on transcript NM_000414.4 (MANE Select); coding-DNA position 1986, one base deleted (T; older notation c.1986delT).
Protein change: p.Lys663fs; shifts the reading frame from lysine 663.
Molecular consequence: frameshift variant. On other transcripts: non-coding transcript variant (2).
Genome position (GRCh38, 1-based): chr5:119,531,397, T deleted. VCF-style (leftmost placement, unchanged base first): chr5-119531396-CT-C. GRCh37 (hg19) VCF-style: chr5-118867091-CT-C.
Other names: c.2061del, p.Lys688fs (NM_001199291.3); c.1932del, p.Lys645fs (NM_001199292.2); c.1914del, p.Lys639fs (NM_001292027.2, NM_001374498.1); c.1566del, p.Lys523fs (NM_001292028.2); c.1977del, p.Lys660fs (NM_001374497.1); c.1659del, p.Lys554fs (NM_001374499.1); c.1545del, p.Lys516fs (NM_001374500.1); c.1575del, p.Lys526fs (NM_001374501.1, NM_001374502.1, NM_001374503.1); short protein forms K516fs, K526fs, K645fs, K523fs, K639fs, K663fs, K554fs, K660fs.
Identifiers: ClinVar variation 1994245 (VCV001994245.4), dbSNP rs2531954907, ClinGen allele CA2580072462.